The following is an entry in ClinVar:

NM_003737.4(DCHS1):c.6850C>G (p.Arg2284Gly)

Gene: DCHS1 (dachsous cadherin-related 1; minus strand). Cytogenetic location: 11p15.4.
Variant type: single nucleotide variant.
Coding change: c.6850C>G on transcript NM_003737.4 (MANE Select); coding-DNA position 6850, C replaced by G.
Protein change: p.Arg2284Gly; replaces arginine 2284 with glycine.
Molecular consequence: missense variant.
Genome position (GRCh38, 1-based): chr11:6,625,609, G>C on the plus strand (C>G on the coding strand, the complement: DCHS1 is on the minus strand). VCF-style: chr11-6625609-G-C. GRCh37 (hg19) VCF-style: chr11-6646840-G-C.
Other names: short protein forms R2284G.
Identifiers: ClinVar variation 3714472 (VCV003714472.2).

ClinVar aggregate classification (germline): Uncertain significance (1 of 4 stars; one submission).

Submission:

Labcorp Genetics (formerly Invitae), Labcorp
Classification: Uncertain significance. Last evaluated: 2024-10-17. Review status: criteria provided, single submitter. Criteria: Invitae Variant Classification Sherloc (09022015). Collection method: clinical testing. Allele origin: germline.
Comment: This sequence change replaces arginine, which is basic and polar, with glycine, which is neutral and non-polar, at codon 2284 of the DCHS1 protein (p.Arg2284Gly). This variant is not present in population databases (gnomAD no frequency). This variant has not been reported in the literature in individuals affected with DCHS1-related conditions. Invitae Evidence Modeling of protein sequence and biophysical properties (such as structural, functional, and spatial information, amino acid conservation, physicochemical variation, residue mobility, and thermodynamic stability) indicates that this missense variant is not expected to disrupt DCHS1 protein function with a negative predictive value of 80%. In summary, the available evidence is currently insufficient to determine the role of this variant in disease. Therefore, it has been classified as a Variant of Uncertain Significance.